The following is an entry in ClinVar:

NM_001395159.1(UNC79):c.4217G>T (p.Arg1406Leu)

Gene: UNC79 (unc-79 homolog, NALCN channel complex subunit; plus strand). Cytogenetic location: 14q32.12.
Variant type: single nucleotide variant.
Coding change: c.4217G>T on transcript NM_001395159.1 (MANE Select); coding-DNA position 4217, G replaced by T.
Protein change: p.Arg1406Leu; replaces arginine 1406 with leucine.
Molecular consequence: missense variant.
Genome position (GRCh38, 1-based): chr14:93,617,231, G>T. VCF-style: chr14-93617231-G-T. GRCh37 (hg19) VCF-style: chr14-94083577-G-T.
Other names: c.4151G>T, p.Arg1384Leu (NM_001346218.2); c.3620G>T, p.Arg1207Leu (NM_020818.5); c.4151G>T (NM_001346218.1); short protein forms R1406L, R1207L, R1384L.
Identifiers: ClinVar variation 3186660 (VCV003186660.2), dbSNP rs746984728, ClinGen allele CA390818570.
Genomic context (GRCh38, chr14:93,617,231, plus strand): 5'-TTCAGGTGCTCAAATACTGCTCTTGTCCTCAACTCCGGCATTATTTCCAACAGCCGCCTC[G>T]TTGCTCCCTCTGGTCCCTAAAGCCTCACATCCGGCAGATGTGGTTGAAGGCCTTGCTTGT-3'
Protein context (NP_001382088.1, residues 1396-1416): QLRHYFQQPP[Arg1406Leu]CSLWSLKPHI

ClinVar aggregate classification (germline): Uncertain significance. Review status: criteria provided, single submitter (1 of 4 stars). 2 submissions from 2 submitters: Uncertain significance (1). 1 of the submissions does not count toward it. Last evaluated 2023-12-16.

Conditions:
Inborn genetic diseases. Identifiers: MedGen C0950123, MeSH D030342.
UNC79-related disorder. Also called: UNC79-related condition.

Allele frequency attached by ClinVar (database versions not stated): gnomAD 0.00002.
gnomAD v4.1: 6 of 1,614,060 alleles (0.00037%); highest among the groups gnomAD compares: Admixed American, 0.0083%; no homozygotes.

Submissions (2):

Ambry Genetics
Classification: Uncertain significance for Inborn genetic diseases. Last evaluated: 2023-12-16. Review status: criteria provided, single submitter. Criteria: Ambry Variant Classification Scheme 2023. Collection method: clinical testing. Allele origin: germline.

PreventionGenetics, part of Exact Sciences
Classification: Uncertain significance for UNC79-related condition. Last evaluated: 2024-03-14. Review status: no assertion criteria provided. Collection method: clinical testing. Allele origin: germline. Not counted in ClinVar's aggregate classification.
Comment: The UNC79 c.4151G>T variant is predicted to result in the amino acid substitution p.Arg1384Leu. To our knowledge, this variant has not been reported in the literature or in a large population database, indicating this variant is rare. At this time, the clinical significance of this variant is uncertain due to the absence of conclusive functional and genetic evidence.